The following is an entry in ClinVar:

NM_003356.4(UCP3):c.365C>T (p.Ala122Val)

Gene: UCP3 (uncoupling protein 3; minus strand). Cytogenetic location: 11q13.4.
Variant type: single nucleotide variant.
Coding change: c.365C>T on transcript NM_003356.4 (MANE Select); coding-DNA position 365, C replaced by T.
Protein change: p.Ala122Val; replaces alanine 122 with valine.
Molecular consequence: missense variant.
Genome position (GRCh38, 1-based): chr11:74,005,906, G>A on the plus strand (C>T on the coding strand, the complement: UCP3 is on the minus strand). VCF-style: chr11-74005906-G-A. GRCh37 (hg19) VCF-style: chr11-73716951-G-A.
Other names: c.365C>T, p.Ala122Val (NM_022803.3); short protein forms A122V.
Identifiers: ClinVar variation 800838 (VCV000800838.4), dbSNP rs773117397, ClinGen allele CA6181508.
Genomic context (GRCh38, chr11:74,005,906, plus strand): 5'-ACCTTCACCACATCTGTGGGCTGGGCACAGGTCACCGCCATGGCTCCTGTGGTGCAGCCG[G>A]CCAAAATCCGGGTAGTGAGGCTGGAGTCTGGGAGGGGCAGAGAGAGTGGGCCAGTGTCCC-3'
Protein context (NP_003347.1, residues 112-132): DNSSLTTRIL[Ala122Val]GCTTGAMAVT

ClinVar aggregate classification (germline): Uncertain significance. Review status: criteria provided, single submitter (1 of 4 stars). 2 submissions from 2 submitters: Uncertain significance (1). 1 of the submissions does not count toward it. Last evaluated 2024-10-15.

Conditions:
Obesity. Also called: Obesity disorder. Identifiers: Orphanet 71529, MedGen C0028754, MeSH D009765, MONDO:0011122, HP:0001513.

Allele frequency attached by ClinVar (database versions not stated): ExAC 0.00001; gnomAD 0.00001; TOPMed 0.00001; gnomAD exomes 0.00002 and 0.00003.
gnomAD v4.1: 26 of 1,614,018 alleles (0.0016%); highest among the groups gnomAD compares: South Asian, 0.024%; no homozygotes.

Submissions (2):

Labcorp Genetics (formerly Invitae), Labcorp
Classification: Uncertain significance. Last evaluated: 2024-10-15. Review status: criteria provided, single submitter. Criteria: Invitae Variant Classification Sherloc (09022015). Collection method: clinical testing. Allele origin: germline.
Comment: This sequence change replaces alanine, which is neutral and non-polar, with valine, which is neutral and non-polar, at codon 122 of the UCP3 protein (p.Ala122Val). This variant is present in population databases (rs773117397, gnomAD 0.02%). This variant has not been reported in the literature in individuals affected with UCP3-related conditions. ClinVar contains an entry for this variant (Variation ID: 800838). Invitae Evidence Modeling of protein sequence and biophysical properties (such as structural, functional, and spatial information, amino acid conservation, physicochemical variation, residue mobility, and thermodynamic stability) indicates that this missense variant is not expected to disrupt UCP3 protein function with a negative predictive value of 80%. In summary, the available evidence is currently insufficient to determine the role of this variant in disease. Therefore, it has been classified as a Variant of Uncertain Significance.

Biochemical Molecular Genetic Laboratory, King Abdulaziz Medical City
Classification: Uncertain significance for Inherited obesity. Last evaluated: 2019-08-25. Review status: no assertion criteria provided. Collection method: clinical testing. Allele origin: germline. Affected: yes. Not counted in ClinVar's aggregate classification.